The following is an entry in ClinVar:

NM_006842.3(SF3B2):c.3G>A (p.Met1Ile)

Gene: SF3B2 (splicing factor 3b subunit 2; plus strand). Cytogenetic location: 11q13.1.
Variant type: single nucleotide variant.
Coding change: c.3G>A on transcript NM_006842.3 (MANE Select); coding-DNA position 3, G replaced by A.
Protein change: p.Met1Ile; changes the start codon (methionine 1).
Molecular consequence: missense variant, initiator codon variant.
Genome position (GRCh38, 1-based): chr11:66,052,387, G>A. VCF-style: chr11-66052387-G-A. GRCh37 (hg19) VCF-style: chr11-65819858-G-A.
Other names: short protein forms M1I.
Identifiers: ClinVar variation 5019814 (VCV005019814.1).

ClinVar aggregate classification (germline): Uncertain significance (1 of 4 stars; one submission).

Conditions:
Craniofacial microsomia 1 (CFM1). Also called: Hemifacial microsomia. Identifiers: Orphanet 374, MedGen C3495417, MONDO:0958175, OMIM 164210.

Submission:

Juno Genomics, Hangzhou Juno Genomics, Inc
Classification: Uncertain significance for Craniofacial microsomia 1. Review status: criteria provided, single submitter. Criteria: ACMG Guidelines, 2015. Collection method: clinical testing. Allele origin: germline. Affected: yes.
Comment: Absent from controls (or at extremely low frequency if recessive) in Genome Aggregation Database.;Null variant in a gene where loss of function (LOF) is a known mechanism of disease.;Patient's phenotype or family history is highly specific for a disease with a single genetic etiology.